The following is an entry in ClinVar:

NM_000271.5(NPC1):c.3629T>C (p.Ile1210Thr)

Gene: NPC1 (NPC intracellular cholesterol transporter 1; minus strand). Cytogenetic location: 18q11.2.
Variant type: single nucleotide variant.
Coding change: c.3629T>C on transcript NM_000271.5 (MANE Select); coding-DNA position 3629, T replaced by C.
Protein change: p.Ile1210Thr; replaces isoleucine 1210 with threonine.
Molecular consequence: missense variant.
Genome position (GRCh38, 1-based): chr18:23,533,480, A>G on the plus strand (T>C on the coding strand, the complement: NPC1 is on the minus strand). VCF-style: chr18-23533480-A-G. GRCh37 (hg19) VCF-style: chr18-21113444-A-G.
Other names: short protein forms I1210T.
Identifiers: ClinVar variation 4535839 (VCV004535839.2).

ClinVar aggregate classification (germline): Uncertain significance. Review status: criteria provided, multiple submitters, no conflicts (2 of 4 stars). 2 submissions from 2 submitters: Uncertain significance (2). Last evaluated 2026-04-29.

Conditions:
Niemann-Pick disease, type C1. Also called: NEUROVISCERAL STORAGE DISEASE WITH VERTICAL SUPRANUCLEAR OPHTHALMOPLEGIA; NIEMANN-PICK DISEASE WITH CHOLESTEROL ESTERIFICATION BLOCK; NIEMANN-PICK DISEASE WITHOUT SPHINGOMYELINASE DEFICIENCY; NIEMANN-PICK DISEASE, CHRONIC NEURONOPATHIC FORM; NIEMANN-PICK DISEASE, VARIANT TYPE C1. Identifiers: Orphanet 646, MedGen C3179455, MONDO:0009757, OMIM 257220.

gnomAD v4.1: 2 of 1,614,272 alleles (0.00012%); highest among the groups gnomAD compares: Non-Finnish European, 0.00017%; no homozygotes.

Submissions (2):

Myriad Genetics, Inc.
Classification: Uncertain significance for Niemann-Pick disease, type C1. Last evaluated: 2026-04-29. Review status: criteria provided, single submitter. Criteria: Myriad Autosomal Dominant, Autosomal Recessive and X-Linked Classification Criteria (2023). Collection method: clinical testing. Allele origin: unknown.
Comment: NM_000271.4(NPC1):c.3629T>C(I1210T) is a missense variant classified as a variant of uncertain significance in the context of Niemann-Pick disease type C1. I1210T has been observed in a case with relevant disease (PMID: 38131230). Relevant functional assessments of this variant are not available in the literature. I1210T has not been observed in referenced population frequency databases. In summary, there is insufficient evidence to classify NM_000271.4(NPC1):c.3629T>C(I1210T) as pathogenic or benign. Please note: this variant was assessed in the context of healthy population screening.

Women's Health and Genetics/Laboratory Corporation of America, LabCorp
Classification: Uncertain significance. Last evaluated: 2025-09-04. Review status: criteria provided, single submitter. Criteria: LabCorp Variant Classification Summary - May 2015. Collection method: clinical testing. Allele origin: germline.
Comment: Variant summary: NPC1 c.3629T>C (p.Ile1210Thr) results in a non-conservative amino acid change in the encoded protein sequence. Algorithms developed to predict the effect of missense changes on protein structure and function all suggest that this variant is likely to be disruptive. The variant was absent in 251468 control chromosomes. The available data on variant occurrences in the general population are insufficient to allow any conclusion about variant significance. c.3629T>C has been observed in compound heterozygous genotype in an individual affected with Niemann-Pick Disease Type C (Liang_2024). These report(s) do not provide unequivocal conclusions about association of the variant with Niemann-Pick Disease Type C. To our knowledge, no experimental evidence demonstrating an impact on protein function has been reported. The following publication has been ascertained in the context of this evaluation (PMID: 38131230). No submitters have cited clinical-significance assessments for this variant to ClinVar. Based on the evidence outlined above, the variant was classified as uncertain significance.

Literature cited by the submitters: PubMed 38131230 (cited by Myriad Genetics, Inc. and Women's Health and Genetics/Laboratory Corporation of America, LabCorp).